The following is an entry in ClinVar:

NM_004329.3(BMPR1A):c.1267C>T (p.Gln423Ter)

Gene: BMPR1A (bone morphogenetic protein receptor type 1A; plus strand). Cytogenetic location: 10q23.2.
Variant type: single nucleotide variant.
Coding change: c.1267C>T on transcript NM_004329.3 (MANE Select); coding-DNA position 1267, C replaced by T.
Protein change: p.Gln423Ter; replaces glutamine 423 with a stop codon.
Molecular consequence: nonsense.
Genome position (GRCh38, 1-based): chr10:86,921,620, C>T. VCF-style: chr10-86921620-C-T. GRCh37 (hg19) VCF-style: chr10-88681377-C-T.
Other names: c.1342C>T, p.Gln448Ter (NM_001406559.1); c.1315C>T, p.Gln439Ter (NM_001406560.1); c.1267C>T, p.Gln423Ter (NM_001406561.1, NM_001406562.1, NM_001406563.1 and 19 more transcripts); c.1261C>T, p.Gln421Ter (NM_001406583.1); c.1183C>T, p.Gln395Ter (NM_001406584.1, NM_001406585.1, NM_001406586.1 and 2 more transcripts); c.925C>T, p.Gln309Ter (NM_001406589.1); short protein forms Q421*, Q423*, Q439*, Q395*, Q309*, Q448*.
Identifiers: ClinVar variation 1764434 (VCV001764434.3), dbSNP rs2133607510, ClinGen allele CA377462172.
Genomic context (GRCh38, chr10:86,921,620, plus strand): 5'-GGCACCAAACGCTACATGGCTCCCGAAGTGCTGGACGAAAGCCTGAACAAAAACCACTTC[C>T]AGCCCTACATCATGGCTGACATCTACAGCTTCGGCCTAATCATTTGGGAGATGGCTCGTC-3'

ClinVar aggregate classification (germline): Pathogenic. Review status: criteria provided, multiple submitters, no conflicts (2 of 4 stars). 2 submissions from 2 submitters: Pathogenic (2). Last evaluated 2024-03-12.

Conditions:
Juvenile polyposis syndrome (JPS). Identifiers: Orphanet 2929, MedGen C0345893, MONDO:0017380, OMIM 174900.
Hereditary cancer-predisposing syndrome. Also called: Neoplastic Syndromes, Hereditary; Tumor predisposition; Hereditary neoplastic syndrome; Hereditary Cancer Syndrome. Identifiers: Orphanet 140162, MedGen C0027672, MeSH D009386, MONDO:0015356.

Submissions (2):

3billion
Classification: Pathogenic for Juvenile polyposis syndrome. Last evaluated: 2024-03-12. Review status: criteria provided, single submitter. Criteria: ACMG Guidelines, 2015. Collection method: clinical testing. Allele origin: germline. Affected: yes.
Comment: The variant is not observed in the gnomAD v2.1.1 dataset. Predicted Consequence/Location: Stop-gained (nonsense): predicted to result in a loss or disruption of normal protein function through nonsense-mediated decay (NMD) or protein truncation. Multiple pathogenic variants are reported downstream of the variant. The variant has been reported to be associated with BMPR1A related disorder (ClinVar ID: VCV001764434). Therefore, this variant is classified as Pathogenic according to the recommendation of ACMG/AMP guideline.

Ambry Genetics
Classification: Pathogenic for Hereditary cancer-predisposing syndrome. Last evaluated: 2014-09-25. Review status: criteria provided, single submitter. Criteria: Ambry Variant Classification Scheme 2023. Collection method: clinical testing. Allele origin: germline.
Comment: The p.Q423* pathogenic mutation (also known as c.1267C>T) located in coding exon 9 of the BMPR1A gene, results from a C to T substitution at nucleotide position 1267. This changes the amino acid from a glutamine to a stop codon within coding exon 9. Since premature stop codons are typically deleterious in nature, this alteration is interpreted as a disease-causing mutation (ACMG Recommendations for Standards for Interpretation and Reporting of Sequence Variations. Revision 2007. Genet Med. 2008;10:294).